The following is an entry in ClinVar:

ClinVar aggregate classification (germline): Benign/Likely benign. Review status: criteria provided, multiple submitters, no conflicts (2 of 4 stars). 13 submissions from 12 submitters: Benign (11); Likely benign (1). 1 of the submissions does not count toward it. Last evaluated 2026-02-04.

Conditions:
MYPN-related myopathy (CMYO24). Also called: Nemaline myopathy 11, autosomal recessive. Identifiers: MedGen C4479186, MONDO:0015023, OMIM 617336.
Cardiovascular phenotype. Identifiers: MedGen CN230736.
Dilated cardiomyopathy 1KK (CMD1KK). Identifiers: Orphanet 154, Orphanet 75249, MedGen C3714995, MONDO:0014100, OMIM 615248.

Allele frequency attached by ClinVar (database versions not stated): 1000 Genomes Project 30x 0.32230; 1000 Genomes Project 0.32508; TOPMed 0.36972; gnomAD 0.39079 and 0.39125; ESP Exome Variant Server 0.39236; ExAC 0.42584; gnomAD exomes 0.42620 and 0.47120.
gnomAD v4.1: 745,980 of 1,613,710 alleles (46%); highest among the groups gnomAD compares: Non-Finnish European, 49%; 177,811 homozygotes.

Submissions (13):

Labcorp Genetics (formerly Invitae), Labcorp
Classification: Benign for Dilated cardiomyopathy 1KK. Last evaluated: 2026-02-04. Review status: criteria provided, single submitter. Criteria: Invitae Variant Classification Sherloc (09022015). Collection method: clinical testing. Allele origin: germline.

Blueprint Genetics
Classification: Benign. Last evaluated: 2024-11-27. Review status: criteria provided, single submitter. Criteria: ACMG Guidelines, 2015. Collection method: clinical testing. Allele origin: germline.

Women's Health and Genetics/Laboratory Corporation of America, LabCorp
Classification: Likely benign. Last evaluated: 2023-04-04. Review status: criteria provided, single submitter. Criteria: LabCorp Variant Classification Summary - May 2015. Collection method: clinical testing. Allele origin: germline.

Mayo Clinic Laboratories, Mayo Clinic
Classification: Benign. Last evaluated: 2022-03-24. Review status: criteria provided, single submitter. Criteria: ACMG Guidelines, 2015. Collection method: clinical testing. Allele origin: germline. Observed: 1,019 variant alleles.

Genome-Nilou Lab
Classification: Benign for Dilated cardiomyopathy 1KK. Last evaluated: 2021-09-05. Review status: criteria provided, single submitter. Criteria: ACMG Guidelines, 2015. Collection method: clinical testing. Allele origin: germline. Affected: no.

Genome-Nilou Lab
Classification: Benign for MYPN-related myopathy. Last evaluated: 2021-09-05. Review status: criteria provided, single submitter. Criteria: ACMG Guidelines, 2015. Collection method: clinical testing. Allele origin: germline. Affected: no.

Molecular Diagnostic Laboratory for Inherited Cardiovascular Disease, Montreal Heart Institute
Classification: Benign. Last evaluated: 2016-05-13. Review status: criteria provided, single submitter. Criteria: ACMG Guidelines, 2015. Collection method: clinical testing. Allele origin: germline. Affected: yes.

Ambry Genetics
Classification: Benign for Cardiovascular phenotype. Last evaluated: 2015-06-16. Review status: criteria provided, single submitter. Criteria: Ambry Variant Classification Scheme 2023. Collection method: clinical testing. Allele origin: germline.

Laboratory for Molecular Medicine, Mass General Brigham Personalized Medicine
Classification: Benign. Last evaluated: 2014-10-29. Review status: criteria provided, single submitter. Criteria: LMM Criteria. Collection method: clinical testing. Allele origin: germline. Observed: 378 variant alleles.
Comment: p.Ser707Asn in exon 12 of MYPN: This variant is not expected to have clinical si gnificance because it has been identified in 48% (4126/8600) of European America n chromosomes by the NHLBI Exome Sequencing Project (u/EVS/; dbSNP rs7916821).

GeneDx
Classification: Benign. Last evaluated: 2013-11-13. Review status: criteria provided, single submitter. Criteria: GeneDx Variant Classification (06012015). Collection method: clinical testing. Allele origin: germline. Affected: yes.
Comment: This variant is considered likely benign or benign based on one or more of the following criteria: it is a conservative change, it occurs at a poorly conserved position in the protein, it is predicted to be benign by multiple in silico algorithms, and/or has population frequency not consistent with disease.

Biesecker Lab/Clinical Genomics Section, National Institutes of Health
Classification: Benign. Last evaluated: 2013-06-24. Review status: criteria provided, single submitter. Criteria: Ng et al. (Circ Cardiovasc Genet. 2013). Collection method: research. Allele origin: unknown. Observed: 580 variant alleles. Study: ClinSeq.
Comment: The study set was not selected for affection status in relation to any cancer. Pathogenicity categories were based on literature curation. See Pubmed ID:23861362 for details.

Medical sequencing

Breakthrough Genomics
Classification: Benign. Review status: criteria provided, single submitter. Criteria: ACMG Guidelines, 2015. Collection method: not provided. Allele origin: germline. Inheritance: Autosomal recessive inheritance. Affected: yes.

Leiden Muscular Dystrophy (MYPN)
No classification provided. Last evaluated: 2012-04-27. Review status: no classification provided. Collection method: curation. Allele origin: germline. Not counted in ClinVar's aggregate classification.

Literature cited by the submitters: PubMed 22286171 (cited by Laboratory for Molecular Medicine, Mass General Brigham Personalized Medicine); PubMed 18006477 (cited by Laboratory for Molecular Medicine, Mass General Brigham Personalized Medicine).

NM_032578.4(MYPN):c.2120G>A (p.Ser707Asn)

Gene: MYPN (myopalladin; plus strand). Cytogenetic location: 10q21.3.
Variant type: single nucleotide variant.
Coding change: c.2120G>A on transcript NM_032578.4 (MANE Select); coding-DNA position 2120, G replaced by A.
Protein change: p.Ser707Asn; replaces serine 707 with asparagine.
Molecular consequence: missense variant. On other transcripts: non-coding transcript variant (2).
Genome position (GRCh38, 1-based): chr10:68,174,212, G>A. VCF-style: chr10-68174212-G-A. GRCh37 (hg19) VCF-style: chr10-69933969-G-A.
Other names: p.S707N:AGT>AAT; c.2120G>A, p.Ser707Asn (NM_001256267.2); c.1238G>A, p.Ser413Asn (NM_001256268.2); short protein forms S707N, S413N.
Identifiers: ClinVar variation 31798 (VCV000031798.26), dbSNP rs7916821, ClinGen allele CA200026.